The following is an entry in ClinVar:

ClinVar aggregate classification (germline): Pathogenic (1 of 4 stars; one submission).

Conditions:
Recessive dystrophic epidermolysis bullosa (RDEB). Also called: DYSTROPHIC EPIDERMOLYSIS BULLOSA, AUTOSOMAL RECESSIVE; EPIDERMOLYSIS BULLOSA DYSTROPHICA, HALLOPEAU-SIEMENS TYPE; Hallopeau-Siemens Disease; severe generalized recessive dystrophic epidermolysis bullosa; EPIDERMOLYSIS BULLOSA DYSTROPHICA, GENERALIZED SEVERE, AUTOSOMAL RECESSIVE; Epidermolysis Bullosa Distrophica Autosomal Recessive (RDEB). Identifiers: Orphanet 79408, Orphanet 79409, MedGen C0079474, MONDO:0009179, OMIM 226600.

Submission:

Myriad Genetics, Inc.
Classification: Pathogenic for Recessive dystrophic epidermolysis bullosa. Last evaluated: 2026-07-28. Review status: criteria provided, single submitter. Criteria: Myriad Autosomal Dominant, Autosomal Recessive and X-Linked Classification Criteria (2023). Collection method: clinical testing. Allele origin: unknown.
Comment: NM_000094.3(COL7A1):c.4206delA(G1403Afs*307) is expected to be pathogenic in the context of dystrophic epidermolysis bullosa. This variant is predicted to lead to an abnormal or absent protein product due to the creation of a premature termination codon in COL7A1, a gene where loss-of-function variants are known to be pathogenic. Please note: this variant was assessed in the context of healthy population screening.

NM_000094.4(COL7A1):c.4206del (p.Gly1403fs)

Gene: COL7A1 (collagen type VII alpha 1 chain; minus strand). Cytogenetic location: 3p21.31.
Variant type: Deletion.
Coding change: c.4206del on transcript NM_000094.4 (MANE Select); coding-DNA position 4206, one base deleted (A; older notation c.4206delA).
Protein change: p.Gly1403fs; shifts the reading frame from glycine 1403.
Molecular consequence: frameshift variant.
Genome position (GRCh38, 1-based): chr3:48,584,053, T deleted on the plus strand (A on the coding strand, the reverse complement: COL7A1 is on the minus strand); the first of 3 consecutive T bases (chr3:48,584,053-48,584,055); deleting any one gives the same sequence. VCF-style (leftmost placement, unchanged base first): chr3-48584052-CT-C. GRCh37 (hg19) VCF-style: chr3-48621485-CT-C.
Other names: short protein forms G1403fs.
Identifiers: ClinVar variation 5016170 (VCV005016170.1).
Genomic context (GRCh38, chr3:48,584,052, plus strand): 5'-TCAGACTCCAAGCCACCCCTAGCACAACCTGTCCCTCACTTACCCGCTCCCCACGATCGC[CT>C]TTGTCACCCTAGAAAACAGATGACGACCCCATGACCCTGGGCCACACCTCACTCCCAAAG-3'